The following is an entry in ClinVar:

ClinVar aggregate classification (germline): Uncertain significance. Review status: criteria provided, multiple submitters, no conflicts (2 of 4 stars). 2 submissions from 2 submitters: Uncertain significance (2). Last evaluated 2025-04-10.

Conditions:
Metaphyseal anadysplasia 2 (MANDP2). Also called: Metaphyseal anadysplasia 2, autosomal recessive. Identifiers: Orphanet 1040, MedGen C2751322, MONDO:0013113, OMIM 613073.

Allele frequency attached by ClinVar (database versions not stated): gnomAD 0.00001; gnomAD exomes 0.00002 and 0.00009; TOPMed 0.00003; ExAC 0.00010.
gnomAD v4.1: 30 of 1,614,082 alleles (0.0019%); highest among the groups gnomAD compares: Admixed American, 0.045%; no homozygotes.

Submissions (2):

Labcorp Genetics (formerly Invitae), Labcorp
Classification: Uncertain significance. Last evaluated: 2025-04-10. Review status: criteria provided, single submitter. Criteria: Invitae Variant Classification Sherloc (09022015). Collection method: clinical testing. Allele origin: germline.
Comment: This sequence change replaces arginine, which is basic and polar, with histidine, which is basic and polar, at codon 681 of the MMP9 protein (p.Arg681His). This variant is present in population databases (rs774687719, gnomAD 0.07%), and has an allele count higher than expected for a pathogenic variant. This variant has not been reported in the literature in individuals affected with MMP9-related conditions. ClinVar contains an entry for this variant (Variation ID: 338560). Invitae Evidence Modeling of protein sequence and biophysical properties (such as structural, functional, and spatial information, amino acid conservation, physicochemical variation, residue mobility, and thermodynamic stability) indicates that this missense variant is not expected to disrupt MMP9 protein function with a negative predictive value of 80%. In summary, the available evidence is currently insufficient to determine the role of this variant in disease. Therefore, it has been classified as a Variant of Uncertain Significance.

Illumina Laboratory Services, Illumina
Classification: Uncertain significance for Metaphyseal anadysplasia 2. Last evaluated: 2018-01-13. Review status: criteria provided, single submitter. Criteria: ICSL Variant Classification Criteria 13 December 2019. Collection method: clinical testing. Allele origin: germline.

NM_004994.3(MMP9):c.2042G>A (p.Arg681His)

Genes: MMP9 (matrix metallopeptidase 9; plus strand), SLC12A5-AS1 (SLC12A5 and MMP9 antisense RNA 1; minus strand). Cytogenetic location: 20q13.12.
Variant type: single nucleotide variant.
Coding change: c.2042G>A on transcript NM_004994.3 (MANE Select); coding-DNA position 2042, G replaced by A.
Protein change: p.Arg681His; replaces arginine 681 with histidine.
Molecular consequence: missense variant.
Genome position (GRCh38, 1-based): chr20:46,016,286, G>A. VCF-style: chr20-46016286-G-A. GRCh37 (hg19) VCF-style: chr20-44644925-G-A.
Other names: short protein forms R681H.
Identifiers: ClinVar variation 338560 (VCV000338560.7), dbSNP rs774687719, ClinGen allele CA9886882.